The following is an entry in ClinVar:

ClinVar aggregate classification (germline): Uncertain significance (1 of 4 stars; one submission).

Conditions:
Immunodeficiency. Identifiers: MedGen C0021051, MONDO:0021094, HP:0002721.

Allele frequency attached by ClinVar (database versions not stated): gnomAD exomes below 0.00001.
gnomAD v4.1: 1 of 1,614,228 alleles (0.000062%); highest among the groups gnomAD compares: Non-Finnish European, 0.000085%; no homozygotes.

Submission:

Labcorp Genetics (formerly Invitae), Labcorp
Classification: Uncertain significance for Immunodeficiency. Last evaluated: 2023-12-19. Review status: criteria provided, single submitter. Criteria: Invitae Variant Classification Sherloc (09022015). Collection method: clinical testing. Allele origin: germline.
Comment: This sequence change replaces serine, which is neutral and polar, with cysteine, which is neutral and slightly polar, at codon 867 of the NFAT5 protein (p.Ser867Cys). This variant is not present in population databases (gnomAD no frequency). This variant has not been reported in the literature in individuals affected with NFAT5-related conditions. An algorithm developed to predict the effect of missense changes on protein structure and function (PolyPhen-2) suggests that this variant is likely to be disruptive. In summary, the available evidence is currently insufficient to determine the role of this variant in disease. Therefore, it has been classified as a Variant of Uncertain Significance.

NM_138713.4(NFAT5):c.2882C>G (p.Ser961Cys)

Gene: NFAT5 (nuclear factor of activated T cells 5; plus strand). Cytogenetic location: 16q22.1.
Variant type: single nucleotide variant.
Coding change: c.2882C>G on transcript NM_138713.4 (MANE Select); coding-DNA position 2882, C replaced by G.
Protein change: p.Ser961Cys; replaces serine 961 with cysteine.
Molecular consequence: missense variant.
Genome position (GRCh38, 1-based): chr16:69,692,707, C>G. VCF-style: chr16-69692707-C-G. GRCh37 (hg19) VCF-style: chr16-69726610-C-G.
Other names: c.2879C>G, p.Ser960Cys (NM_001113178.3); c.2207C>G, p.Ser736Cys (NM_001367709.1); c.2828C>G, p.Ser943Cys (NM_006599.4); c.2600C>G, p.Ser867Cys (NM_138714.4, NM_173214.3, NM_173215.3); short protein forms S943C, S867C, S960C, S736C, S961C.
Identifiers: ClinVar variation 2794547 (VCV002794547.3), dbSNP rs2544238684, ClinGen allele CA396511694.